The following is an entry in ClinVar:

ClinVar aggregate classification (germline): Likely pathogenic. Review status: criteria provided, multiple submitters, no conflicts (2 of 4 stars). 3 submissions from 3 submitters: Likely pathogenic (3). Last evaluated 2023-05-23.

Conditions:
Histiocytic medullary reticulosis. Also called: SEVERE COMBINED IMMUNODEFICIENCY WITH HYPEREOSINOPHILIA; Omenn syndrome. Identifiers: Orphanet 39041, MedGen C2700553, MONDO:0011338, OMIM 603554.
Severe combined immunodeficiency, autosomal recessive, T cell-negative, B cell-negative, NK cell-positive. Also called: SCID, T CELL-NEGATIVE, B CELL-NEGATIVE, NK CELL-POSITIVE; SCID, AR, T-cell negative, B-cell negative, NK cell-positive; Severe combined immunodeficiency due to complete RAG1/2 deficiency. Identifiers: Orphanet 331206, MedGen C1832322, MONDO:0011086, OMIM 601457.
Combined immunodeficiency with skin granulomas. Identifiers: Orphanet 157949, MedGen C2673536, MONDO:0009306, OMIM 233650.

Allele frequency attached by ClinVar (database versions not stated): gnomAD exomes below 0.00001; TOPMed below 0.00001; gnomAD 0.00001.

Submissions (3):

Baylor Genetics
Classification: Likely pathogenic for Combined immunodeficiency with skin granulomas. Last evaluated: 2023-05-23. Review status: criteria provided, single submitter. Criteria: ACMG Guidelines, 2015. Collection method: clinical testing. Allele origin: unknown.

Fulgent Genetics
Classification: Likely pathogenic for Combined immunodeficiency with skin granulomas; Severe combined immunodeficiency, autosomal recessive, T cell-negative, B cell-negative, NK cell-positive; Histiocytic medullary reticulosis. Last evaluated: 2022-03-29. Review status: criteria provided, single submitter. Criteria: ACMG Guidelines, 2015. Collection method: clinical testing. Allele origin: unknown.

Labcorp Genetics (formerly Invitae), Labcorp
Classification: Likely pathogenic for Combined immunodeficiency with skin granulomas; Severe combined immunodeficiency, autosomal recessive, T cell-negative, B cell-negative, NK cell-positive. Last evaluated: 2022-02-04. Review status: criteria provided, single submitter. Criteria: Invitae Variant Classification Sherloc (09022015). Collection method: clinical testing. Allele origin: germline.
Comment: This variant is not present in population databases (gnomAD no frequency). This sequence change creates a premature translational stop signal (p.Trp430*) in the RAG2 gene. While this is not anticipated to result in nonsense mediated decay, it is expected to disrupt the last 98 amino acid(s) of the RAG2 protein. This variant has not been reported in the literature in individuals affected with RAG2-related conditions. In summary, the currently available evidence indicates that the variant is pathogenic, but additional data are needed to prove that conclusively. Therefore, this variant has been classified as Likely Pathogenic. This variant disrupts the C-terminus of the RAG2 protein. Other variant(s) that disrupt this region (p.His468Argfs*16, p.Glu480*, p.Arg523Glufs*49) have been observed in individuals with RAG2-related conditions (PMID: 21624848, 24144642, 26915675). This suggests that this may be a clinically significant region of the protein. ClinVar contains an entry for this variant (Variation ID: 949466).

Literature cited by the submitters: PubMed 21624848 (cited by Labcorp Genetics (formerly Invitae), Labcorp); PubMed 24144642 (cited by Labcorp Genetics (formerly Invitae), Labcorp); PubMed 26915675 (cited by Labcorp Genetics (formerly Invitae), Labcorp).

NM_000536.4(RAG2):c.1290G>A (p.Trp430Ter)

Gene: RAG2 (recombination activating 2; minus strand). Cytogenetic location: 11p12.
Variant type: single nucleotide variant.
Coding change: c.1290G>A on transcript NM_000536.4 (MANE Select); coding-DNA position 1290, G replaced by A.
Protein change: p.Trp430Ter; replaces tryptophan 430 with a stop codon.
Molecular consequence: nonsense.
Genome position (GRCh38, 1-based): chr11:36,592,879, C>T on the plus strand (G>A on the coding strand, the complement: RAG2 is on the minus strand). VCF-style: chr11-36592879-C-T. GRCh37 (hg19) VCF-style: chr11-36614429-C-T.
Other names: c.1290G>A, p.Trp430Ter (NM_001243785.2, NM_001243786.2); short protein forms W430*.
Identifiers: ClinVar variation 949466 (VCV000949466.9), dbSNP rs1434362838, ClinGen allele CA380140688.